The following is an entry in ClinVar:

NM_004560.4(ROR2):c.-121A>C

Gene: ROR2 (receptor tyrosine kinase like orphan receptor 2; minus strand). Cytogenetic location: 9q22.31.
Variant type: single nucleotide variant.
Coding change: c.-121A>C on transcript NM_004560.4 (MANE Select); 121 bases upstream of the start codon, A replaced by C.
Molecular consequence: 5 prime UTR variant.
Genome position (GRCh38, 1-based): chr9:91,950,084, T>G on the plus strand (A>C on the coding strand, the complement: ROR2 is on the minus strand). VCF-style: chr9-91950084-T-G. GRCh37 (hg19) VCF-style: chr9-94712366-T-G.
Other names: c.-121A>C (NM_001318204.2).
Identifiers: ClinVar variation 367523 (VCV000367523.5), dbSNP rs555789981, ClinGen allele CA10634110.
Genomic context (GRCh38, chr9:91,950,084, plus strand): 5'-GCCACCACCCCTTTCTACGATGCGTCCGCTCCTCCTTCTCCCTGGCGCTTCGCAAACGGG[T>G]CCACTTCGAGGACCTCGTCGTCGTCCTCTTCTCCGGCCCGGATGCGCCGCTCGGCTCCGG-3'

ClinVar aggregate classification (germline): Conflicting classifications of pathogenicity. Review status: criteria provided, conflicting classifications (1 of 4 stars). 2 submissions from 1 submitter: Uncertain significance (1); Likely benign (1). Last evaluated 2018-01-12.

Conditions:
Brachydactyly type B1 (BDB1). Identifiers: Orphanet 572385, Orphanet 93383, MedGen C1862112, MONDO:0007220, OMIM 113000.
Autosomal recessive Robinow syndrome (RRS1). Also called: ROBINOW SYNDROME, AUTOSOMAL RECESSIVE 1; COSTOVERTEBRAL SEGMENTATION DEFECT WITH MESOMELIA; COVESDEM SYNDROME; ROR2-Related Robinow Syndrome. Identifiers: Orphanet 1507, Orphanet 97360, MedGen C5399974, MONDO:0009999, OMIM 268310.

Allele frequency attached by ClinVar (database versions not stated): gnomAD exomes 0.00002; TOPMed 0.00021; gnomAD 0.00022 and 0.00026; 1000 Genomes Project 30x 0.00062; 1000 Genomes Project 0.00080.
gnomAD v4.1: 44 of 477,162 alleles (0.0092%); highest among the groups gnomAD compares: African/African-American, 0.079%; no homozygotes.

Submissions (2):

Illumina Laboratory Services, Illumina
Classification: Uncertain significance for Autosomal recessive Robinow syndrome. Last evaluated: 2018-01-12. Review status: criteria provided, single submitter. Criteria: ICSL Variant Classification Criteria 13 December 2019. Collection method: clinical testing. Allele origin: germline.

Illumina Laboratory Services, Illumina
Classification: Likely benign for Brachydactyly type B1. Last evaluated: 2018-01-12. Review status: criteria provided, single submitter. Criteria: ICSL Variant Classification Criteria 13 December 2019. Collection method: clinical testing. Allele origin: germline.
Comment: This variant was observed in the ICSL laboratory as part of a predisposition screen in an ostensibly healthy population. It had not been previously curated by ICSL or reported in the Human Gene Mutation Database (HGMD: prior to June 1st, 2018), and was therefore a candidate for classification through an automated scoring system. Utilizing variant allele frequency, disease prevalence and penetrance estimates, and inheritance mode, an automated score was calculated to assess if this variant is too frequent to cause the disease. Based on the score and internal cut-off values, a variant classified as likely benign is not then subjected to further curation. The score for this variant resulted in a classification of likely benign for this disease.